The following is an entry in ClinVar:

NM_000334.4(SCN4A):c.355G>A (p.Val119Ile)

Gene: SCN4A (sodium voltage-gated channel alpha subunit 4; minus strand). Cytogenetic location: 17q23.3.
Variant type: single nucleotide variant.
Coding change: c.355G>A on transcript NM_000334.4 (MANE Select); coding-DNA position 355, G replaced by A.
Protein change: p.Val119Ile; replaces valine 119 with isoleucine.
Molecular consequence: missense variant.
Genome position (GRCh38, 1-based): chr17:63,972,389, C>T on the plus strand (G>A on the coding strand, the complement: SCN4A is on the minus strand). VCF-style: chr17-63972389-C-T. GRCh37 (hg19) VCF-style: chr17-62049749-C-T.
Other names: short protein forms V119I.
Identifiers: ClinVar variation 324552 (VCV000324552.66), dbSNP rs41280110, ClinGen allele CA8710197.
Genomic context (GRCh38, chr17:63,972,389, plus strand): 5'-CTCTCCCATCTTGGGCAGGATATGCATGGATGAGCACCTTGATGGCCCCGCGCCTGACTA[C>T]GCTGAAGGGGCTCAGCAGGTAGAGAGCAGGTGTGGCGGAGAAGCGGAAGATGGCCTTGCC-3'
Protein context (NP_000325.4, residues 109-129): PALYLLSPFS[Val119Ile]VRRGAIKVLI

ClinVar aggregate classification (germline): Benign/Likely benign. Review status: criteria provided, multiple submitters, no conflicts (2 of 4 stars). 17 submissions from 13 submitters: Benign (7); Likely benign (8). 2 of the submissions do not count toward it. Last evaluated 2026-07-20.

Conditions:
SCN4A-related disorder. Also called: SCN4A-related disorders.
Hypokalemic periodic paralysis, type 1. Also called: HypoPP; Hypokalemic Periodic Paralysis Type 1 (AD). Identifiers: Orphanet 681, MedGen C3714580, MONDO:0042979, OMIM 170400.
Hypokalemic periodic paralysis, type 2 (HOKPP2). Identifiers: Orphanet 681, MedGen C2750061, MONDO:0013234, OMIM 613345.
Congenital myasthenic syndrome 16. Identifiers: Orphanet 590, MedGen C3280112, MONDO:0013620, OMIM 614198.
Paramyotonia congenita of Von Eulenburg. Also called: Paramyotonia Congenita; PARALYSIS PERIODICA PARAMYOTONICA; Eulenburg disease; Myotonia congenita intermittens; Von Eulenburg paramyotonia congenita. Identifiers: Orphanet 684, MedGen C0221055, MONDO:0008195, OMIM 168300. Disease mechanism: loss of function.
Hyperkalemic periodic paralysis. Also called: Familial hyperkalemic periodic paralysis; Gamstorp disease. Identifiers: Orphanet 682, MedGen C0238357, MONDO:0008224, OMIM 170500, HP:0007215.
Potassium-aggravated myotonia. Also called: Myotonia congenita, atypical, acetazolamide-responsive; MYOTONIA CONGENITA, ACETAZOLAMIDE-RESPONSIVE; MYOTONIA CONGENITA, ATYPICAL; SODIUM CHANNEL MUSCLE DISEASE. Identifiers: Orphanet 612, Orphanet 99734, Orphanet 99735, Orphanet 99736, MedGen C2931826, MONDO:0018959, OMIM 608390.

Allele frequency attached by ClinVar (database versions not stated): 1000 Genomes Project 30x 0.00094; gnomAD 0.00228 and 0.00232; 1000 Genomes Project 0.00120; TOPMed 0.00191; gnomAD exomes 0.00236 and 0.00293; ExAC 0.00262; ESP Exome Variant Server 0.00296.

Submissions (17):

PreventionGenetics, part of Exact Sciences
Classification: Likely benign for SCN4A-related condition. Last evaluated: 2026-07-20. Review status: criteria provided, single submitter. Criteria: ACMG Guidelines, 2015. Collection method: clinical testing. Allele origin: germline.
Comment: This variant is classified as likely benign based on ACMG/AMP sequence variant interpretation guidelines (Richards et al. 2015 PMID: 25741868, with internal and published modifications).

Labcorp Genetics (formerly Invitae), Labcorp
Classification: Likely benign for Hyperkalemic periodic paralysis. Last evaluated: 2026-02-01. Review status: criteria provided, single submitter. Criteria: Invitae Variant Classification Sherloc (09022015). Collection method: clinical testing. Allele origin: germline.

CeGaT Center for Human Genetics Tuebingen
Classification: Likely benign. Last evaluated: 2025-02-01. Review status: criteria provided, single submitter. Criteria: CeGaT Center For Human Genetics Tuebingen Variant Classification Criteria Version 2. Collection method: clinical testing. Allele origin: germline. Affected: yes. Observed: 16 variant alleles.
Comment: SCN4A: BS2

Mayo Clinic Laboratories, Mayo Clinic
Classification: Benign. Last evaluated: 2025-01-27. Review status: criteria provided, single submitter. Criteria: ACMG Guidelines, 2015. Collection method: clinical testing. Allele origin: germline. Observed: 5 variant alleles.
Comment: BS1, BS2, BP4

Blueprint Genetics
Classification: Benign. Last evaluated: 2024-11-19. Review status: criteria provided, single submitter. Criteria: ACMG Guidelines, 2015. Collection method: clinical testing. Allele origin: germline.

Fulgent Genetics
Classification: Likely benign for Paramyotonia congenita of Von Eulenburg; Hypokalemic periodic paralysis, type 1; Hyperkalemic periodic paralysis; Potassium-aggravated myotonia; Hypokalemic periodic paralysis, type 2; Congenital myasthenic syndrome 16. Last evaluated: 2021-11-09. Review status: criteria provided, single submitter. Criteria: ACMG Guidelines, 2015. Collection method: clinical testing. Allele origin: unknown.

Athena Diagnostics
Classification: Benign. Last evaluated: 2021-09-24. Review status: criteria provided, single submitter. Criteria: Athena Diagnostics Criteria. Collection method: clinical testing. Allele origin: unknown.

GeneDx
Classification: Likely benign. Last evaluated: 2020-08-25. Review status: criteria provided, single submitter. Criteria: GeneDx Variant Classification Process June 2021. Collection method: clinical testing. Allele origin: germline. Affected: yes.

Genetic Services Laboratory, University of Chicago
Classification: Likely benign. Last evaluated: 2020-05-01. Review status: criteria provided, single submitter. Criteria: ACMG Guidelines, 2015. Collection method: clinical testing. Allele origin: germline. Affected: no.
Comment: DNA sequence analysis of the SCN4A gene demonstrated a sequence change, c.355G>A, in exon 2 that results in an amino acid change, p.Val119Ile. This sequence change does not appear to have been previously described in patients with SCN4A-related disorders and has been described in the gnomAD database with a high population frequency of 0.41% in the non-Finnish European subpopulation (dbSNP rs41280110); it has been observed in one individual in the homozygous state. The p.Val119Ile change affects a poorly conserved amino acid residue located in a domain of the SCN4A protein that is not known to be functional. The p.Val119Ile substitution appears to be benign using several in-silico pathogenicity prediction tools (SIFT, PolyPhen2, Align GVGD, REVEL). Due to these contrasting evidences and the lack of functional studies, the clinical significance of the p.Val119Ile change remains unknown at this time.

Illumina Laboratory Services, Illumina
Classification: Likely benign for Congenital myasthenic syndrome 16. Last evaluated: 2018-01-12. Review status: criteria provided, single submitter. Criteria: ICSL Variant Classification Criteria 13 December 2019. Collection method: clinical testing. Allele origin: germline.
Comment: This variant was observed in the ICSL laboratory as part of a predisposition screen in an ostensibly healthy population. It had not been previously curated by ICSL or reported in the Human Gene Mutation Database (HGMD: prior to June 1st, 2018), and was therefore a candidate for classification through an automated scoring system. Utilizing variant allele frequency, disease prevalence and penetrance estimates, and inheritance mode, an automated score was calculated to assess if this variant is too frequent to cause the disease. Based on the score and internal cut-off values, a variant classified as likely benign is not then subjected to further curation. The score for this variant resulted in a classification of likely benign for this disease.

Illumina Laboratory Services, Illumina
Classification: Benign for Potassium-aggravated myotonia. Last evaluated: 2018-01-12. Review status: criteria provided, single submitter. Criteria: ICSL Variant Classification Criteria 13 December 2019. Collection method: clinical testing. Allele origin: germline.
Comment: This variant was observed in the ICSL laboratory as part of a predisposition screen in an ostensibly healthy population. It had not been previously curated by ICSL or reported in the Human Gene Mutation Database (HGMD: prior to June 1st, 2018), and was therefore a candidate for classification through an automated scoring system. Utilizing variant allele frequency, disease prevalence and penetrance estimates, and inheritance mode, an automated score was calculated to assess if this variant is too frequent to cause the disease. Based on the score and internal cut-off values, a variant classified as benign is not then subjected to further curation. The score for this variant resulted in a classification of benign for this disease.

Illumina Laboratory Services, Illumina
Classification: Benign for Hyperkalemic periodic paralysis. Last evaluated: 2018-01-12. Review status: criteria provided, single submitter. Criteria: ICSL Variant Classification Criteria 13 December 2019. Collection method: clinical testing. Allele origin: germline.
Comment: the same text as in the submission from Illumina Laboratory Services, Illumina above.

Illumina Laboratory Services, Illumina
Classification: Benign for Hypokalemic periodic paralysis, type 2. Last evaluated: 2018-01-12. Review status: criteria provided, single submitter. Criteria: ICSL Variant Classification Criteria 13 December 2019. Collection method: clinical testing. Allele origin: germline.
Comment: the same text as in the submission from Illumina Laboratory Services, Illumina above.

Illumina Laboratory Services, Illumina
Classification: Benign for Paramyotonia congenita of Von Eulenburg. Last evaluated: 2018-01-12. Review status: criteria provided, single submitter. Criteria: ICSL Variant Classification Criteria 13 December 2019. Collection method: clinical testing. Allele origin: germline.
Comment: the same text as in the submission from Illumina Laboratory Services, Illumina above.

Breakthrough Genomics
Classification: Likely benign. Review status: criteria provided, single submitter. Criteria: ACMG Guidelines, 2015. Collection method: not provided. Allele origin: germline. Inheritance: Autosomal recessive inheritance. Affected: yes.

Genome Diagnostics Laboratory, University Medical Center Utrecht
Classification: Likely benign. Review status: no assertion criteria provided. Collection method: clinical testing. Allele origin: germline. Affected: yes. Study: VKGL Data-share Consensus. Not counted in ClinVar's aggregate classification.

Joint Genome Diagnostic Labs from Nijmegen and Maastricht, Radboudumc and MUMC+
Classification: Likely benign. Review status: no assertion criteria provided. Collection method: clinical testing. Allele origin: germline. Affected: yes. Study: VKGL Data-share Consensus. Not counted in ClinVar's aggregate classification.